The following is an entry in ClinVar:

NM_000163.5(GHR):c.1601A>G (p.Tyr534Cys)

Gene: GHR (growth hormone receptor; plus strand). Cytogenetic location: 5p12.
Variant type: single nucleotide variant.
Coding change: c.1601A>G on transcript NM_000163.5 (MANE Select); coding-DNA position 1601, A replaced by G.
Protein change: p.Tyr534Cys; replaces tyrosine 534 with cysteine.
Molecular consequence: missense variant. On other transcripts: 3 prime UTR variant (1).
Genome position (GRCh38, 1-based): chr5:42,719,108, A>G. VCF-style: chr5-42719108-A-G. GRCh37 (hg19) VCF-style: chr5-42719210-A-G.
Other names: c.1622A>G, p.Tyr541Cys (NM_001242399.2); c.1601A>G, p.Tyr534Cys (NM_001242400.2, NM_001242401.4, NM_001242402.2 and 4 more transcripts); c.1535A>G, p.Tyr512Cys (NM_001242460.2); c.*643A>G (NM_001242462.1); short protein forms Y512C, Y541C, Y534C.
Identifiers: ClinVar variation 904370 (VCV000904370.4), dbSNP rs559502730, ClinGen allele CA3254672.

ClinVar aggregate classification (germline): Uncertain significance (1 of 4 stars; one submission).

Conditions:
Laron-type isolated somatotropin defect. Also called: Laron Syndrome; Growth hormone binding protein deficiency or dysfunction; Growth hormone receptor deficiency or dysfunction; Laron dwarfism; Laron type pituitary dwarfism I; GROWTH HORMONE RECEPTOR DEFICIENCY. Identifiers: Orphanet 633, MedGen C0271568, MONDO:0009877, OMIM 262500.

Allele frequency attached by ClinVar (database versions not stated): gnomAD exomes 0.00003 and 0.00007; ExAC 0.00007; 1000 Genomes Project 0.00020; 1000 Genomes Project 30x 0.00031.
gnomAD v4.1: 46 of 1,613,590 alleles (0.0029%); highest among the groups gnomAD compares: South Asian, 0.047%; no homozygotes.

Submission:

Illumina Laboratory Services, Illumina
Classification: Uncertain significance for Laron-type isolated somatotropin defect. Last evaluated: 2017-04-27. Review status: criteria provided, single submitter. Criteria: ICSL Variant Classification Criteria 13 December 2019. Collection method: clinical testing. Allele origin: germline.
Comment: This variant was observed as part of a predisposition screen in an ostensibly healthy population. A literature search was performed for the gene, cDNA change, and amino acid change (where applicable). Publications were found based on this search. However, the evidence from the literature, in combination with allele frequency data from public databases where available, was not sufficient to rule this variant in or out of causing disease. Therefore, this variant is classified as a variant of unknown significance.

Literature cited by the submitters: PubMed 20962506.